The following is an entry in ClinVar:

NM_003041.4(SLC5A2):c.781G>A (p.Asp261Asn)

Gene: SLC5A2 (solute carrier family 5 member 2; plus strand). Cytogenetic location: 16p11.2.
Variant type: single nucleotide variant.
Coding change: c.781G>A on transcript NM_003041.4 (MANE Select); coding-DNA position 781, G replaced by A.
Protein change: p.Asp261Asn; replaces aspartic acid 261 with asparagine.
Molecular consequence: missense variant. On other transcripts: non-coding transcript variant (1).
Genome position (GRCh38, 1-based): chr16:31,487,655, G>A. VCF-style: chr16-31487655-G-A. GRCh37 (hg19) VCF-style: chr16-31498976-G-A.
Other names: short protein forms D261N.
Identifiers: ClinVar variation 3603191 (VCV003603191.1).

ClinVar aggregate classification (germline): Uncertain significance (1 of 4 stars; one submission).

Submission:

GeneDx
Classification: Uncertain significance. Last evaluated: 2024-08-07. Review status: criteria provided, single submitter. Criteria: GeneDx Variant Classification Process June 2021. Collection method: clinical testing. Allele origin: germline. Affected: yes.
Comment: Not observed at significant frequency in large population cohorts (gnomAD); In silico analysis supports that this missense variant has a deleterious effect on protein structure/function; Has not been previously published as pathogenic or benign to our knowledge